The following is an entry in ClinVar:

NM_001012720.2(RGR):c.728C>T (p.Ser243Phe)

Gene: RGR (retinal G protein coupled receptor; plus strand). Cytogenetic location: 10q23.1.
Variant type: single nucleotide variant.
Coding change: c.728C>T on transcript NM_001012720.2 (MANE Select); coding-DNA position 728, C replaced by T.
Protein change: p.Ser243Phe; replaces serine 243 with phenylalanine.
Molecular consequence: missense variant. On other transcripts: intron variant (1).
Genome position (GRCh38, 1-based): chr10:84,257,990, C>T. VCF-style: chr10-84257990-C-T. GRCh37 (hg19) VCF-style: chr10-86017746-C-T.
Other names: c.728C>T (NM_001012720.1); c.740C>T, p.Ser247Phe (NM_002921.4); c.631-518C>T (NM_001012722.2); short protein forms S243F, S247F.
Identifiers: ClinVar variation 1021577 (VCV001021577.11), dbSNP rs144262093, ClinGen allele CA210403153.

ClinVar aggregate classification (germline): Uncertain significance. Review status: criteria provided, multiple submitters, no conflicts (2 of 4 stars). 3 submissions from 3 submitters: Uncertain significance (3). Last evaluated 2025-07-31.

Allele frequency attached by ClinVar (database versions not stated): gnomAD exomes below 0.00001; gnomAD 0.00002; TOPMed 0.00005; ESP Exome Variant Server 0.00015.
gnomAD v4.1: 8 of 1,613,796 alleles (0.0005%); highest among the groups gnomAD compares: Non-Finnish European, 0.00068%; no homozygotes.

Submissions (3):

Ambry Genetics
Classification: Uncertain significance. Last evaluated: 2025-07-31. Review status: criteria provided, single submitter. Criteria: Ambry Variant Classification Scheme 2023. Collection method: clinical testing. Allele origin: germline.

Blueprint Genetics
Classification: Uncertain significance. Last evaluated: 2024-04-25. Review status: criteria provided, single submitter. Criteria: ACMG Guidelines, 2015. Collection method: clinical testing. Allele origin: germline.

Labcorp Genetics (formerly Invitae), Labcorp
Classification: Uncertain significance. Last evaluated: 2020-02-07. Review status: criteria provided, single submitter. Criteria: Invitae Variant Classification Sherloc (09022015). Collection method: clinical testing. Allele origin: germline.
Comment: In summary, the available evidence is currently insufficient to determine the role of this variant in disease. Therefore, it has been classified as a Variant of Uncertain Significance. Algorithms developed to predict the effect of missense changes on protein structure and function are either unavailable or do not agree on the potential impact of this missense change (SIFT: "Deleterious"; PolyPhen-2: "Not Available"; Align-GVGD: "Class C0"). This variant has not been reported in the literature in individuals with RGR-related conditions. This variant is not present in population databases (ExAC no frequency). This sequence change replaces serine with phenylalanine at codon 243 of the RGR protein (p.Ser243Phe). The serine residue is highly conserved and there is a large physicochemical difference between serine and phenylalanine.